The following is an entry in ClinVar:

NM_003000.3(SDHB):c.183T>C (p.Tyr61=)

Gene: SDHB (succinate dehydrogenase complex iron sulfur subunit B; minus strand). Cytogenetic location: 1p36.13.
Variant type: single nucleotide variant.
Coding change: c.183T>C on transcript NM_003000.3 (MANE Select); coding-DNA position 183, T replaced by C.
Protein change: p.Tyr61=; no amino-acid change (tyrosine 61 retained).
Molecular consequence: synonymous variant.
Genome position (GRCh38, 1-based): chr1:17,044,778, A>G on the plus strand (T>C on the coding strand, the complement: SDHB is on the minus strand). VCF-style: chr1-17044778-A-G. GRCh37 (hg19) VCF-style: chr1-17371273-A-G.
Identifiers: ClinVar variation 1138286 (VCV001138286.12), dbSNP rs760169139, ClinGen allele CA089525.

ClinVar aggregate classification (germline): Benign/Likely benign. Review status: criteria provided, multiple submitters, no conflicts (2 of 4 stars). 5 submissions from 5 submitters: Benign (1); Likely benign (4). Last evaluated 2025-11-09.

Conditions:
Pheochromocytoma/paraganglioma syndrome 4. Also called: SDHB-Related Hereditary Paraganglioma-Pheochromocytoma Syndrome (Paragangliomas 4); SDHB-Related Hereditary Paraganglioma-Pheochromocytoma Syndrome; PARAGANGLIOMA, FAMILIAL MALIGNANT; PARAGANGLIOMAS, HEREDITARY EXTRAADRENAL; PHEOCHROMOCYTOMA, FAMILIAL EXTRAADRENAL; Paragangliomas 4. Identifiers: Orphanet 29072, MedGen C1861848, MONDO:0007273, OMIM 115310.
Hereditary cancer-predisposing syndrome. Also called: Hereditary neoplastic syndrome; Hereditary Cancer Syndrome; Tumor predisposition; Neoplastic Syndromes, Hereditary. Identifiers: Orphanet 140162, MedGen C0027672, MeSH D009386, MONDO:0015356.
Hereditary pheochromocytoma and paraganglioma. Also called: Hereditary pheochromocytoma-paraganglioma; Hereditary paragangliomas and pheochromocytomas; Hereditary Paraganglioma-Pheochromocytoma Syndromes. Identifiers: Orphanet 29072, MedGen C4274332, MONDO:0017366.
Gastrointestinal stromal tumor. Also called: Gastrointestinal stroma tumor; Gastrointestinal stromal tumor, somatic. Identifiers: Orphanet 44890, MedGen C0238198, MeSH D046152, MONDO:0011719, OMIM 606764, HP:0100723.
Pheochromocytoma. Also called: MAX-Related Hereditary Paraganglioma-Pheochromocytoma Syndrome. Identifiers: Orphanet 29072, MedGen C0031511, MONDO:0008233, OMIM 171300, HP:0002666.

Allele frequency attached by ClinVar (database versions not stated): TOPMed below 0.00001; gnomAD 0.00001 and 0.00002; gnomAD exomes 0.00003 and 0.00005; ExAC 0.00007.
gnomAD v4.1: 47 of 1,614,068 alleles (0.0029%); highest among the groups gnomAD compares: South Asian, 0.046%; 1 homozygote.

Submissions (5):

Labcorp Genetics (formerly Invitae), Labcorp
Classification: Likely benign for Gastrointestinal stromal tumor; Pheochromocytoma/paraganglioma syndrome 4; Pheochromocytoma. Last evaluated: 2025-11-09. Review status: criteria provided, single submitter. Criteria: Invitae Variant Classification Sherloc (09022015). Collection method: clinical testing. Allele origin: germline.

Myriad Genetics, Inc.
Classification: Benign for Pheochromocytoma/paraganglioma syndrome 4. Last evaluated: 2025-03-12. Review status: criteria provided, single submitter. Criteria: Myriad Autosomal Dominant, Autosomal Recessive and X-Linked Classification Criteria (2023). Collection method: clinical testing. Allele origin: unknown.
Comment: This variant is considered benign. This variant is a silent/synonymous amino acid change and it is not expected to impact splicing.

Color Diagnostics, LLC DBA Color Health
Classification: Likely benign for Hereditary pheochromocytoma and paraganglioma. Last evaluated: 2022-11-06. Review status: criteria provided, single submitter. Criteria: ACMG Guidelines, 2015. Collection method: clinical testing. Allele origin: germline.

Ambry Genetics
Classification: Likely benign for Hereditary cancer-predisposing syndrome. Last evaluated: 2022-03-23. Review status: criteria provided, single submitter. Criteria: Ambry Variant Classification Scheme 2023. Collection method: clinical testing. Allele origin: germline.

Blueprint Genetics
Classification: Likely benign. Last evaluated: 2018-09-25. Review status: criteria provided, single submitter. Criteria: ACMG Guidelines, 2015. Collection method: clinical testing. Allele origin: germline.